The following is an entry in ClinVar:

ClinVar aggregate classification (germline): Likely benign. Review status: criteria provided, multiple submitters, no conflicts (2 of 4 stars). 3 submissions from 3 submitters: Likely benign (2). 1 of the submissions does not count toward it. Last evaluated 2026-02-02.

Conditions:
SCN9A-related disorder. Also called: SCN9A-related disorders; SCN9A-related condition.
Inborn genetic diseases. Identifiers: MedGen C0950123, MeSH D030342.
Neuropathy, hereditary sensory and autonomic, type 2A (HSAN2A). Also called: ACROOSTEOLYSIS, NEUROGENIC; ACROOSTEOLYSIS, GIACCAI TYPE; MORVAN DISEASE; NEUROPATHY, CONGENITAL SENSORY; NEUROPATHY, HEREDITARY SENSORY RADICULAR, AUTOSOMAL RECESSIVE; NEUROPATHY, HEREDITARY SENSORY, TYPE IIA. Identifiers: Orphanet 970, MedGen C2752089, MONDO:0024309, OMIM 201300.
Generalized epilepsy with febrile seizures plus, type 7 (GEFSP7). Also called: GEFS+, TYPE 7. Identifiers: Orphanet 36387, MedGen C2751778, MONDO:0013470, OMIM 613863.

Allele frequency attached by ClinVar (database versions not stated): gnomAD exomes 0.00001.
gnomAD v4.1: 4 of 1,613,558 alleles (0.00025%); highest among the groups gnomAD compares: Admixed American, 0.0067%; no homozygotes.

Submissions (3):

Labcorp Genetics (formerly Invitae), Labcorp
Classification: Likely benign for Neuropathy, hereditary sensory and autonomic, type 2A; Generalized epilepsy with febrile seizures plus, type 7. Last evaluated: 2026-02-02. Review status: criteria provided, single submitter. Criteria: Invitae Variant Classification Sherloc (09022015). Collection method: clinical testing. Allele origin: germline.

Ambry Genetics
Classification: Likely benign for Inborn genetic diseases. Last evaluated: 2019-07-11. Review status: criteria provided, single submitter. Criteria: Ambry Variant Classification Scheme 2023. Collection method: clinical testing. Allele origin: germline.

PreventionGenetics, part of Exact Sciences
Classification: Likely benign for SCN9A-related condition. Last evaluated: 2019-05-24. Review status: no assertion criteria provided. Collection method: clinical testing. Allele origin: germline. Not counted in ClinVar's aggregate classification.
Comment: This variant is classified as likely benign based on ACMG/AMP sequence variant interpretation guidelines (Richards et al. 2015 PMID: 25741868, with internal and published modifications).

NM_001365536.1(SCN9A):c.1566G>A (p.Arg522=)

Genes: SCN9A (sodium voltage-gated channel alpha subunit 9; minus strand), SCN1A-AS1 (SCN1A and SCN9A antisense RNA 1; plus strand). Cytogenetic location: 2q24.3.
Variant type: single nucleotide variant.
Coding change: c.1566G>A on transcript NM_001365536.1 (MANE Select); coding-DNA position 1566, G replaced by A.
Protein change: p.Arg522=; no amino-acid change (arginine 522 retained).
Molecular consequence: synonymous variant.
Genome position (GRCh38, 1-based): chr2:166,286,372, C>T on the plus strand (G>A on the coding strand, the complement: SCN9A is on the minus strand). VCF-style: chr2-166286372-C-T. GRCh37 (hg19) VCF-style: chr2-167142882-C-T.
Other names: c.1566G>A, p.Arg522= (NM_002977.4).
Identifiers: ClinVar variation 471086 (VCV000471086.13), dbSNP rs1340370507, ClinGen allele CA429978290.